The following is an entry in ClinVar:

NM_015450.3(POT1):c.30A>G (p.Ile10Met)

Gene: POT1 (protection of telomeres 1; minus strand). Cytogenetic location: 7q31.33.
Variant type: single nucleotide variant.
Coding change: c.30A>G on transcript NM_015450.3 (MANE Select); coding-DNA position 30, A replaced by G.
Protein change: p.Ile10Met; replaces isoleucine 10 with methionine.
Molecular consequence: missense variant. On other transcripts: 5 prime UTR variant (1), non-coding transcript variant (3).
Genome position (GRCh38, 1-based): chr7:124,892,360, T>C on the plus strand (A>G on the coding strand, the complement: POT1 is on the minus strand). VCF-style: chr7-124892360-T-C. GRCh37 (hg19) VCF-style: chr7-124532414-T-C.
Other names: c.-233A>G (NM_001042594.2); short protein forms I10M.
Identifiers: ClinVar variation 847113 (VCV000847113.13), dbSNP rs367937904, ClinGen allele CA4465517.

ClinVar aggregate classification (germline): Conflicting classifications of pathogenicity. Review status: criteria provided, conflicting classifications (1 of 4 stars). 3 submissions from 3 submitters: Uncertain significance (2); Likely benign (1). Last evaluated 2025-11-30.

Conditions:
Tumor predisposition syndrome 3 (TPDS3). Also called: Glioma susceptibility 9; LONG TELOMERE SYNDROME, POT1-RELATED; POT1 Tumor Predisposition; Melanoma, cutaneous malignant, susceptibility to, 10. Identifiers: Orphanet 618, MedGen C4014476, MONDO:0014368, OMIM 615848.
Hereditary cancer-predisposing syndrome. Also called: Tumor predisposition; Hereditary Cancer Syndrome; Hereditary neoplastic syndrome; Neoplastic Syndromes, Hereditary. Identifiers: Orphanet 140162, MedGen C0027672, MeSH D009386, MONDO:0015356.

Allele frequency attached by ClinVar (database versions not stated): ExAC 0.00002; gnomAD 0.00002; TOPMed 0.00003; ESP Exome Variant Server 0.00008; gnomAD exomes below 0.00001 and 0.00001.
gnomAD v4.1: 5 of 1,481,840 alleles (0.00034%); highest among the groups gnomAD compares: African/African-American, 0.0059%; no homozygotes.

Submissions (3):

Labcorp Genetics (formerly Invitae), Labcorp
Classification: Uncertain significance for Tumor predisposition syndrome 3. Last evaluated: 2025-11-30. Review status: criteria provided, single submitter. Criteria: Invitae Variant Classification Sherloc (09022015). Collection method: clinical testing. Allele origin: germline.
Comment: This sequence change replaces isoleucine, which is neutral and non-polar, with methionine, which is neutral and non-polar, at codon 10 of the POT1 protein (p.Ile10Met). The frequency data for this variant in the population databases is considered unreliable, as metrics indicate poor data quality at this position in the gnomAD database. This variant has not been reported in the literature in individuals affected with POT1-related conditions. ClinVar contains an entry for this variant (Variation ID: 847113). Invitae Evidence Modeling of protein sequence and biophysical properties (such as structural, functional, and spatial information, amino acid conservation, physicochemical variation, residue mobility, and thermodynamic stability) indicates that this missense variant is not expected to disrupt POT1 protein function with a negative predictive value of 80%. In summary, the available evidence is currently insufficient to determine the role of this variant in disease. Therefore, it has been classified as a Variant of Uncertain Significance.

Ambry Genetics
Classification: Likely benign for Hereditary cancer-predisposing syndrome. Last evaluated: 2024-01-18. Review status: criteria provided, single submitter. Criteria: Ambry Variant Classification Scheme 2023. Collection method: clinical testing. Allele origin: germline.

GeneDx
Classification: Uncertain significance. Last evaluated: 2022-02-24. Review status: criteria provided, single submitter. Criteria: GeneDx Variant Classification Process June 2021. Collection method: clinical testing. Allele origin: germline. Affected: yes.
Comment: In silico analysis supports that this missense variant does not alter protein structure/function; Has not been previously published as pathogenic or benign to our knowledge; This variant is associated with the following publications: (PMID: 28393830)